The following is an entry in ClinVar:

ClinVar aggregate classification (germline): Benign/Likely benign. Review status: criteria provided, multiple submitters, no conflicts (2 of 4 stars). 6 submissions from 6 submitters: Benign (1); Likely benign (4). 1 of the submissions does not count toward it. Last evaluated 2026-01-20.

Conditions:
Inborn genetic diseases. Identifiers: MedGen C0950123, MeSH D030342.
Cohen syndrome (COH1). Also called: Cutis verticis gyrata, retinitis pigmentosa, and sensorineural deafness; PEPPER SYNDROME. Identifiers: Orphanet 193, MedGen C0265223, MONDO:0008999, OMIM 216550.
VPS13B-related disorder. Also called: VPS13B-related condition.

Allele frequency attached by ClinVar (database versions not stated): 1000 Genomes Project 30x 0.00016; gnomAD 0.00017 and 0.00018; TOPMed 0.00018; gnomAD exomes 0.00019 and 0.00034; 1000 Genomes Project 0.00020; ExAC 0.00024.
gnomAD v4.1: 306 of 1,614,042 alleles (0.019%); highest among the groups gnomAD compares: Middle Eastern, 0.083%; 1 homozygote.

Submissions (6):

Labcorp Genetics (formerly Invitae), Labcorp
Classification: Benign for Cohen syndrome. Last evaluated: 2026-01-20. Review status: criteria provided, single submitter. Criteria: Invitae Variant Classification Sherloc (09022015). Collection method: clinical testing. Allele origin: germline.

CeGaT Center for Human Genetics Tuebingen
Classification: Likely benign. Last evaluated: 2024-10-01. Review status: criteria provided, single submitter. Criteria: CeGaT Center For Human Genetics Tuebingen Variant Classification Criteria Version 2. Collection method: clinical testing. Allele origin: germline. Affected: yes. Observed: 2 variant alleles.
Comment: VPS13B: BP4, BP7

Blueprint Genetics
Classification: Likely benign. Last evaluated: 2024-07-09. Review status: criteria provided, single submitter. Criteria: ACMG Guidelines, 2015. Collection method: clinical testing. Allele origin: germline.

Ambry Genetics
Classification: Likely benign for Inborn genetic diseases. Last evaluated: 2018-01-19. Review status: criteria provided, single submitter. Criteria: Ambry Variant Classification Scheme 2023. Collection method: clinical testing. Allele origin: germline.

Genetic Services Laboratory, University of Chicago
Classification: Likely benign. Last evaluated: 2017-04-10. Review status: criteria provided, single submitter. Criteria: ACMG Guidelines, 2015. Collection method: clinical testing. Allele origin: germline. Affected: no.

PreventionGenetics, part of Exact Sciences
Classification: Likely benign for VPS13B-related condition. Last evaluated: 2019-06-24. Review status: no assertion criteria provided. Collection method: clinical testing. Allele origin: germline. Not counted in ClinVar's aggregate classification.
Comment: This variant is classified as likely benign based on ACMG/AMP sequence variant interpretation guidelines (Richards et al. 2015 PMID: 25741868, with internal and published modifications).

NM_152564.5(VPS13B):c.7998T>C (p.Ser2666=)

Gene: VPS13B (vacuolar protein sorting 13 homolog B; plus strand). Cytogenetic location: 8q22.2.
Variant type: single nucleotide variant.
Coding change: c.7998T>C on transcript NM_152564.5 (MANE Select); coding-DNA position 7998, T replaced by C.
Protein change: p.Ser2666=; no amino-acid change (serine 2666 retained).
Molecular consequence: synonymous variant.
Genome position (GRCh38, 1-based): chr8:99,809,431, T>C. VCF-style: chr8-99809431-T-C. GRCh37 (hg19) VCF-style: chr8-100821659-T-C.
Other names: c.8073T>C, p.Ser2691= (NM_017890.5); c.7998T>C (NM_152564.4).
Identifiers: ClinVar variation 437240 (VCV000437240.38), dbSNP rs199941415, ClinGen allele CA4824363.